The following is an entry in ClinVar:

ClinVar aggregate classification (germline): Likely benign (1 of 4 stars; one submission).

Submission:

GeneDx
Classification: Likely benign. Last evaluated: 2018-06-16. Review status: criteria provided, single submitter. Criteria: GeneDx Variant Classification (06012015). Collection method: clinical testing. Allele origin: germline. Affected: yes.
Comment: This variant is considered likely benign or benign based on one or more of the following criteria: it is a conservative change, it occurs at a poorly conserved position in the protein, it is predicted to be benign by multiple in silico algorithms, and/or has population frequency not consistent with disease.

NM_001605.3(AARS1):c.2286+200_2286+201del

Gene: AARS1 (alanyl-tRNA synthetase 1; minus strand). Cytogenetic location: 16q22.1.
Variant type: Deletion.
Coding change: c.2286+200_2286+201del on transcript NM_001605.3 (MANE Select); bases 200 to 201 of the intron after coding-DNA position 2286, 2 bases deleted (AT; older notation c.2286+200_2286+201delAT).
Molecular consequence: intron variant.
Genome position (GRCh38, 1-based): chr16:70,255,527-70,255,528, AT deleted on the plus strand (AT on the coding strand, the reverse complement: AARS1 is on the minus strand); deleting any 2 consecutive bases within chr16:70,255,527-70,255,529 gives the same sequence; the c. name uses the placement nearest the transcript's 3' end. VCF-style (leftmost placement, unchanged base first): chr16-70255526-CAT-C. GRCh37 (hg19) VCF-style: chr16-70289429-CAT-C.
Identifiers: ClinVar variation 679008 (VCV000679008.1), dbSNP rs142442564, ClinGen allele CA283427639.